The following is an entry in ClinVar:

NM_178013.4(PRIMA1):c.228A>T (p.Pro76=)

Gene: PRIMA1 (proline rich membrane anchor 1; minus strand). Cytogenetic location: 14q32.12.
Variant type: single nucleotide variant.
Coding change: c.228A>T on transcript NM_178013.4 (MANE Select); coding-DNA position 228, A replaced by T.
Protein change: p.Pro76=; no amino-acid change (proline 76 retained).
Molecular consequence: synonymous variant.
Genome position (GRCh38, 1-based): chr14:93,779,177, T>A on the plus strand (A>T on the coding strand, the complement: PRIMA1 is on the minus strand). VCF-style: chr14-93779177-T-A. GRCh37 (hg19) VCF-style: chr14-94245523-T-A.
Identifiers: ClinVar variation 581545 (VCV000581545.8), dbSNP rs368397994, ClinGen allele CA7323074.
Genomic context (GRCh38, chr14:93,779,177, plus strand): 5'-CTTCGTGGGCCTAGGAAAACACAAAGAGAAACCCGAAAATGGAGTGAGCCATTACTTACC[T>A]GGGGCGGAGAGGAGTCTGGGAGGTGGCGGGGGTGGGGGCGGCGGGGGCAGCGGGGGAGGG-3'
Protein context (NP_821092.1, residues 66-86): PPPPPRLLSA[Pro76=]APNSTSCPTE

ClinVar aggregate classification (germline): Uncertain significance (1 of 4 stars; one submission).

Conditions:
Familial sleep-related hypermotor epilepsy. Also called: Autosomal Dominant Sleep-Related Hypermotor (Hyperkinetic) Epilepsy. Identifiers: Orphanet 98784, MedGen C3696898, MONDO:0000030.

Allele frequency attached by ClinVar (database versions not stated): gnomAD exomes 0.00001 and 0.00004; ExAC 0.00005; ESP Exome Variant Server 0.00008; gnomAD 0.00025 and 0.00026.
gnomAD v4.1: 18 of 1,029,270 alleles (0.0017%); highest among the groups gnomAD compares: African/African-American, 0.058%; no homozygotes.

Submission:

Labcorp Genetics (formerly Invitae), Labcorp
Classification: Uncertain significance for Familial sleep-related hypermotor epilepsy. Last evaluated: 2022-06-03. Review status: criteria provided, single submitter. Criteria: Invitae Variant Classification Sherloc (09022015). Collection method: clinical testing. Allele origin: germline.
Comment: This sequence change affects codon 76 of the PRIMA1 mRNA. It is a 'silent' change, meaning that it does not change the encoded amino acid sequence of the PRIMA1 protein. It affects a nucleotide within the consensus splice site. This variant is present in population databases (rs368397994, gnomAD 0.06%). This variant has not been reported in the literature in individuals affected with PRIMA1-related conditions. ClinVar contains an entry for this variant (Variation ID: 581545). Algorithms developed to predict the effect of sequence changes on RNA splicing suggest that this variant may disrupt the consensus splice site. In summary, the available evidence is currently insufficient to determine the role of this variant in disease. Therefore, it has been classified as a Variant of Uncertain Significance.